The following is an entry in ClinVar:

ClinVar aggregate classification (germline): Pathogenic (1 of 4 stars; one submission).

Submission:

Labcorp Genetics (formerly Invitae), Labcorp
Classification: Pathogenic. Last evaluated: 2023-05-21. Review status: criteria provided, single submitter. Criteria: Invitae Variant Classification Sherloc (09022015). Collection method: clinical testing. Allele origin: germline.
Comment: For these reasons, this variant has been classified as Pathogenic. Retrotransposon insertions including LINE1 (L1), Alu, and SVA (SINE-VNTR-Alu) have been reported to be disease-causing through disruption of either a coding region or splice site (PMID: 19763152, 20307669, 22406018) and loss-of-function variants in FOXRED1 are known to be pathogenic (PMID: 20818383, 20858599). This variant has not been reported in the literature in individuals affected with FOXRED1-related conditions. This variant is not present in population databases (gnomAD no frequency). This sequence change inserts a large fragment of DNA, likely a transposable element, in exon 7 of the FOXRED1 gene (c.803_804ins?), causing a frameshift at codon 269 (p.Val269fs). The exact size and sequence of the insertion cannot be determined by the current assay. However, the insertion is expected to result in an absent or disrupted protein product.

Literature cited by the submitters: PubMed 19763152; PubMed 20307669; PubMed 22406018; PubMed 20818383; PubMed 20858599.

NM_017547.4(FOXRED1):c.803_804insTGAAAAAATAACATTCGCCTCTGCCCCTGCCCCAGCCCCAGCCCCCGCCCCAGCCCCAGCCGCTGCCACGGCCGCTGCCGCCTCACCCGCAGATGGCCAGCCCAAACGGNNNNNNNNNNAAAAAAAAAAAAAAAAAAAAGAAAAGGATCCATGA (p.Glu268delinsAspGluLysIleThrPheAlaSerAlaProAlaProAlaProAlaProAlaProAlaProAlaAlaAlaThrAlaAlaAlaAlaSerProAlaAspGlyGlnProLysArgXaaXaaXaaXaaLysLysLysLysLysLysGluLysAspProTer)

Gene: FOXRED1 (FAD dependent oxidoreductase domain containing 1; plus strand). Cytogenetic location: 11q24.2.
Variant type: Insertion.
Coding change: c.803_804insTGAAAAAATAACATTCGCCTCTGCCCCTGCCCCAGCCCCAGCCCCCGCCCCAGCCCCAGCCGCTGCCACGGCCGCTGCCGCCTCACCCGCAGATGGCCAGCCCAAACGGNNNNNNNNNNAAAAAAAAAAAAAAAAAAAAGAAAAGGATCCATGA on transcript NM_017547.4 (MANE Select); coding-DNA positions 803 to 804, TGAAAAAATAACATTCGCCTCTGCCCCTGCCCCAGCCCCAGCCCCCGCCCCAGCCCCAGCCGCTGCCACGGCCGCTGCCGCCTCACCCGCAGATGGCCAGCCCAAACGGNNNNNNNNNNAAAAAAAAAAAAAAAAAAAAGAAAAGGATCCATGA inserted.
Protein change: p.Glu268delinsAspGluLysIleThrPheAlaSerAlaProAlaProAlaProAlaProAlaProAlaProAlaAlaAlaThrAlaAlaAlaAlaSerProAlaAspGlyGlnProLysArgXaaXaaXaaXaaLysLysLysLysLysLysGluLysAspProTer.
Molecular consequence: nonsense. On other transcripts: frameshift variant (15), non-coding transcript variant (2).
Genome position: GRCh38: chr11:126,275,863-126,275,864. GRCh37 (hg19): chr11:126,145,758-126,145,759.
Other names: c.833_834insTGAAAAAATAACATTCGCCTCTGCCCCTGCCCCAGCCCCAGCCCCCGCCCCAGCCCCAGCCGCTGCCACGGCCGCTGCCGCCTCACCCGCAGATGGCCAGCCCAAACGGNNNNNNNNNNAAAAAAAAAAAAAAAAAAAAGAAAAGGATCCATGA, p.Glu278Aspfs (NM_001425160.1); c.803_804insTGAAAAAATAACATTCGCCTCTGCCCCTGCCCCAGCCCCAGCCCCCGCCCCAGCCCCAGCCGCTGCCACGGCCGCTGCCGCCTCACCCGCAGATGGCCAGCCCAAACGGNNNNNNNNNNAAAAAAAAAAAAAAAAAAAAGAAAAGGATCCATGA, p.Glu268Aspfs (NM_001425161.1, NM_001425163.1, NM_001425165.1 and 1 more transcripts); c.800_801insTGAAAAAATAACATTCGCCTCTGCCCCTGCCCCAGCCCCAGCCCCCGCCCCAGCCCCAGCCGCTGCCACGGCCGCTGCCGCCTCACCCGCAGATGGCCAGCCCAAACGGNNNNNNNNNNAAAAAAAAAAAAAAAAAAAAGAAAAGGATCCATGA, p.Glu267Aspfs (NM_001425164.1); c.701_702insTGAAAAAATAACATTCGCCTCTGCCCCTGCCCCAGCCCCAGCCCCCGCCCCAGCCCCAGCCGCTGCCACGGCCGCTGCCGCCTCACCCGCAGATGGCCAGCCCAAACGGNNNNNNNNNNAAAAAAAAAAAAAAAAAAAAGAAAAGGATCCATGA, p.Glu234Aspfs (NM_001425167.1); c.293_294insTGAAAAAATAACATTCGCCTCTGCCCCTGCCCCAGCCCCAGCCCCCGCCCCAGCCCCAGCCGCTGCCACGGCCGCTGCCGCCTCACCCGCAGATGGCCAGCCCAAACGGNNNNNNNNNNAAAAAAAAAAAAAAAAAAAAGAAAAGGATCCATGA, p.Glu98Aspfs (NM_001425168.1, NM_001425169.1, NM_001425170.1); c.242_243insTGAAAAAATAACATTCGCCTCTGCCCCTGCCCCAGCCCCAGCCCCCGCCCCAGCCCCAGCCGCTGCCACGGCCGCTGCCGCCTCACCCGCAGATGGCCAGCCCAAACGGNNNNNNNNNNAAAAAAAAAAAAAAAAAAAAGAAAAGGATCCATGA, p.Glu81Aspfs (NM_001425171.1, NM_001425172.1); c.170_171insTGAAAAAATAACATTCGCCTCTGCCCCTGCCCCAGCCCCAGCCCCCGCCCCAGCCCCAGCCGCTGCCACGGCCGCTGCCGCCTCACCCGCAGATGGCCAGCCCAAACGGNNNNNNNNNNAAAAAAAAAAAAAAAAAAAAGAAAAGGATCCATGA, p.Glu57Aspfs (NM_001425173.1, NM_001425174.1, NM_001425175.1).
Identifiers: ClinVar variation 2866703 (VCV002866703.3), dbSNP rs2497191181.